The following is an entry in ClinVar:

NM_001844.5(COL2A1):c.1024-226C>T

Gene: COL2A1 (collagen type II alpha 1 chain; minus strand). Cytogenetic location: 12q13.11.
Variant type: single nucleotide variant.
Coding change: c.1024-226C>T on transcript NM_001844.5 (MANE Select); 226 bases into the intron before coding-DNA position 1024, C replaced by T.
Molecular consequence: intron variant.
Genome position (GRCh38, 1-based): chr12:47,990,031, G>A on the plus strand (C>T on the coding strand, the complement: COL2A1 is on the minus strand). VCF-style: chr12-47990031-G-A. GRCh37 (hg19) VCF-style: chr12-48383814-G-A.
Other names: c.817-226C>T (NM_033150.3).
Identifiers: ClinVar variation 677867 (VCV000677867.1), dbSNP rs11168343, ClinGen allele CA13588311.

ClinVar aggregate classification (germline): Benign (1 of 4 stars; one submission).

Allele frequency attached by ClinVar (database versions not stated): 1000 Genomes Project 30x 0.16084; 1000 Genomes Project 0.16434; TOPMed 0.24174; gnomAD 0.25569 and 0.25684.
gnomAD v4.1: 38,978 of 152,004 alleles (26%); highest among the groups gnomAD compares: Non-Finnish European, 37%; 6,281 homozygotes.

Submission:

GeneDx
Classification: Benign. Last evaluated: 2018-06-19. Review status: criteria provided, single submitter. Criteria: GeneDx Variant Classification (06012015). Collection method: clinical testing. Allele origin: germline. Affected: yes.
Comment: This variant is considered likely benign or benign based on one or more of the following criteria: it is a conservative change, it occurs at a poorly conserved position in the protein, it is predicted to be benign by multiple in silico algorithms, and/or has population frequency not consistent with disease.